The following is an entry in ClinVar:

NM_017950.4(CCDC40):c.2742C>G (p.Ile914Met)

Gene: CCDC40 (coiled-coil domain 40 molecular ruler complex subunit; plus strand). Cytogenetic location: 17q25.3.
Variant type: single nucleotide variant.
Coding change: c.2742C>G on transcript NM_017950.4 (MANE Select); coding-DNA position 2742, C replaced by G.
Protein change: p.Ile914Met; replaces isoleucine 914 with methionine.
Molecular consequence: missense variant.
Genome position (GRCh38, 1-based): chr17:80,089,794, C>G. VCF-style: chr17-80089794-C-G. GRCh37 (hg19) VCF-style: chr17-78063593-C-G.
Other names: c.2742C>G, p.Ile914Met (NM_001243342.2); short protein forms I914M.
Identifiers: ClinVar variation 4619537 (VCV004619537.1).

ClinVar aggregate classification (germline): Uncertain significance (1 of 4 stars; one submission).

Conditions:
Primary ciliary dyskinesia. Also called: Ciliary dyskinesia. Identifiers: Orphanet 244, MedGen C0008780, MONDO:0016575, HP:0012265.

gnomAD v4.1: 5 of 1,614,112 alleles (0.00031%); highest among the groups gnomAD compares: South Asian, 0.0055%; no homozygotes.

Submission:

Ambry Genetics
Classification: Uncertain significance for Primary ciliary dyskinesia. Last evaluated: 2025-11-25. Review status: criteria provided, single submitter. Criteria: Ambry Variant Classification Scheme 2023. Collection method: clinical testing. Allele origin: germline.
Comment: The p.I914M variant (also known as c.2742C>G), located in coding exon 17 of the CCDC40 gene, results from a C to G substitution at nucleotide position 2742. The isoleucine at codon 914 is replaced by methionine, an amino acid with highly similar properties. This amino acid position is conserved. In addition, this alteration is predicted to be tolerated by in silico analysis. Based on the available evidence, the clinical significance of this variant remains unclear.